The following is an entry in ClinVar:

ClinVar aggregate classification (germline): Likely benign (1 of 4 stars; one submission).

gnomAD v4.1: 1 of 1,543,382 alleles (0.000065%); highest among the groups gnomAD compares: Non-Finnish European, 0.000087%; no homozygotes.

Submission:

GeneDx
Classification: Likely benign. Last evaluated: 2016-03-07. Review status: criteria provided, single submitter. Criteria: GeneDx Variant Classification (06012015). Collection method: clinical testing. Allele origin: germline. Affected: yes.
Comment: This variant is considered likely benign or benign based on one or more of the following criteria: it is a conservative change, it occurs at a poorly conserved position in the protein, it is predicted to be benign by multiple in silico algorithms, and/or has population frequency not consistent with disease.

NM_025219.3(DNAJC5):c.494-16T>C

Gene: DNAJC5 (DnaJ heat shock protein family (Hsp40) member C5; plus strand). Cytogenetic location: 20q13.33.
Variant type: single nucleotide variant.
Coding change: c.494-16T>C on transcript NM_025219.3 (MANE Select); 16 bases into the intron before coding-DNA position 494, T replaced by C.
Molecular consequence: intron variant.
Genome position (GRCh38, 1-based): chr20:63,931,449, T>C. VCF-style: chr20-63931449-T-C. GRCh37 (hg19) VCF-style: chr20-62562802-T-C.
Identifiers: ClinVar variation 384526 (VCV000384526.1), dbSNP rs1057521981, ClinGen allele CA16609057.